The following is an entry in ClinVar:

ClinVar aggregate classification (germline): Uncertain significance (1 of 4 stars; one submission).

Conditions:
Combined immunodeficiency due to DOCK8 deficiency (HIES2). Also called: HIES autosomal recessive; HYPER-IgE SYNDROME 2, AUTOSOMAL RECESSIVE, WITH RECURRENT INFECTIONS; HYPER-IgE RECURRENT INFECTION SYNDROME 2, AUTOSOMAL RECESSIVE; DOCK8 Deficiency; Hyper-IgE recurrent infection syndrome, autosomal recessive. Identifiers: Orphanet 217390, MedGen C4722305, MONDO:0009478, OMIM 243700.

Allele frequency attached by ClinVar (database versions not stated): TOPMed 0.00001.
gnomAD v4.1: 6 of 1,613,860 alleles (0.00037%); highest among the groups gnomAD compares: Non-Finnish European, 0.00051%; no homozygotes.

Submission:

Labcorp Genetics (formerly Invitae), Labcorp
Classification: Uncertain significance for Combined immunodeficiency due to DOCK8 deficiency. Last evaluated: 2021-08-28. Review status: criteria provided, single submitter. Criteria: Invitae Variant Classification Sherloc (09022015). Collection method: clinical testing. Allele origin: germline.
Comment: This sequence change replaces alanine with valine at codon 1579 of the DOCK8 protein (p.Ala1579Val). The alanine residue is moderately conserved and there is a small physicochemical difference between alanine and valine. This variant is present in population databases (rs145202369, ExAC 0.001%). This variant has not been reported in the literature in individuals affected with DOCK8-related conditions. Algorithms developed to predict the effect of missense changes on protein structure and function are either unavailable or do not agree on the potential impact of this missense change (SIFT: "Tolerated"; PolyPhen-2: "Probably Damaging"; Align-GVGD: "Class C0"). In summary, the available evidence is currently insufficient to determine the role of this variant in disease. Therefore, it has been classified as a Variant of Uncertain Significance.

NM_203447.4(DOCK8):c.4736C>T (p.Ala1579Val)

Gene: DOCK8 (dedicator of cytokinesis 8; plus strand). Cytogenetic location: 9p24.3.
Variant type: single nucleotide variant.
Coding change: c.4736C>T on transcript NM_203447.4 (MANE Select); coding-DNA position 4736, C replaced by T.
Protein change: p.Ala1579Val; replaces alanine 1579 with valine.
Molecular consequence: missense variant.
Genome position (GRCh38, 1-based): chr9:432,275, C>T. VCF-style: chr9-432275-C-T. GRCh37 (hg19) VCF-style: chr9-432275-C-T.
Other names: c.4436C>T, p.Ala1479Val (NM_001190458.2); c.4532C>T, p.Ala1511Val (NM_001193536.2); short protein forms A1511V, A1479V, A1579V.
Identifiers: ClinVar variation 834248 (VCV000834248.8), dbSNP rs145202369, ClinGen allele CA4959183.